The following is an entry in ClinVar:

NM_004973.4(JARID2):c.2475T>A (p.Phe825Leu)

Gene: JARID2 (jumonji and AT-rich interaction domain containing 2; plus strand). Cytogenetic location: 6p22.3.
Variant type: single nucleotide variant.
Coding change: c.2475T>A on transcript NM_004973.4 (MANE Select); coding-DNA position 2475, T replaced by A.
Protein change: p.Phe825Leu; replaces phenylalanine 825 with leucine.
Molecular consequence: missense variant.
Genome position (GRCh38, 1-based): chr6:15,504,526, T>A. VCF-style: chr6-15504526-T-A. GRCh37 (hg19) VCF-style: chr6-15504757-T-A.
Other names: c.1959T>A, p.Phe653Leu (NM_001267040.1); short protein forms F653L, F825L.
Identifiers: ClinVar variation 4536442 (VCV004536442.1).

ClinVar aggregate classification (germline): Uncertain significance (1 of 4 stars; one submission).

Submission:

GeneDx
Classification: Uncertain significance. Last evaluated: 2025-06-03. Review status: criteria provided, single submitter. Criteria: GeneDx Variant Classification Process June 2021. Collection method: clinical testing. Allele origin: germline. Affected: yes.
Comment: Not observed at significant frequency in large population cohorts (gnomAD); In silico analysis supports that this missense variant has a deleterious effect on protein structure/function; Has not been previously published as pathogenic or benign to our knowledge